The following is an entry in ClinVar:

NM_005677.4(COLQ):c.1196-216T>C

Gene: COLQ (collagen like tail subunit of asymmetric acetylcholinesterase; minus strand). Cytogenetic location: 3p25.1.
Variant type: single nucleotide variant.
Coding change: c.1196-216T>C on transcript NM_005677.4 (MANE Select); 216 bases into the intron before coding-DNA position 1196, T replaced by C.
Molecular consequence: intron variant.
Genome position (GRCh38, 1-based): chr3:15,454,147, A>G on the plus strand (T>C on the coding strand, the complement: COLQ is on the minus strand). VCF-style: chr3-15454147-A-G. GRCh37 (hg19) VCF-style: chr3-15495654-A-G.
Other names: c.1094-216T>C (NM_080539.4); c.1166-216T>C (NM_080538.2).
Identifiers: ClinVar variation 679263 (VCV000679263.1), dbSNP rs3773458, ClinGen allele CA11352872.

ClinVar aggregate classification (germline): Benign (1 of 4 stars; one submission).

Allele frequency attached by ClinVar (database versions not stated): 1000 Genomes Project 30x 0.38819; TOPMed 0.37882; gnomAD 0.36107; 1000 Genomes Project 0.38958.
gnomAD v4.1: 56,897 of 151,760 alleles (37%); highest among the groups gnomAD compares: East Asian, 49%; 10,664 homozygotes.

Submission:

GeneDx
Classification: Benign. Last evaluated: 2018-06-19. Review status: criteria provided, single submitter. Criteria: GeneDx Variant Classification (06012015). Collection method: clinical testing. Allele origin: germline. Affected: yes.
Comment: This variant is considered likely benign or benign based on one or more of the following criteria: it is a conservative change, it occurs at a poorly conserved position in the protein, it is predicted to be benign by multiple in silico algorithms, and/or has population frequency not consistent with disease.